The following is an entry in ClinVar:

ClinVar aggregate classification (germline): Uncertain significance. Review status: criteria provided, multiple submitters, no conflicts (2 of 4 stars). 3 submissions from 3 submitters: Uncertain significance (3). Last evaluated 2023-01-10.

Conditions:
Bethlem myopathy 1A. Also called: Bethlem Muscular Dystrophy; MYOPATHY, BENIGN CONGENITAL, WITH CONTRACTURES; Bethlem myopathy 1. Identifiers: Orphanet 610, MedGen CN029274, MONDO:0024530, OMIM 158810.

Allele frequency attached by ClinVar (database versions not stated): gnomAD exomes below 0.00001; gnomAD 0.00001; TOPMed 0.00002.
gnomAD v4.1: 8 of 1,608,534 alleles (0.0005%); highest among the groups gnomAD compares: Admixed American, 0.0033%; no homozygotes.

Submissions (3):

Revvity Omics, Revvity
Classification: Uncertain significance. Last evaluated: 2023-01-10. Review status: criteria provided, single submitter. Criteria: ACMG Guidelines, 2015. Collection method: clinical testing. Allele origin: germline.

Labcorp Genetics (formerly Invitae), Labcorp
Classification: Uncertain significance for Bethlem myopathy 1A. Last evaluated: 2022-10-27. Review status: criteria provided, single submitter. Criteria: Invitae Variant Classification Sherloc (09022015). Collection method: clinical testing. Allele origin: germline.
Comment: In summary, the available evidence is currently insufficient to determine the role of this variant in disease. Therefore, it has been classified as a Variant of Uncertain Significance. Advanced modeling of protein sequence and biophysical properties (such as structural, functional, and spatial information, amino acid conservation, physicochemical variation, residue mobility, and thermodynamic stability) performed at Invitae indicates that this missense variant is not expected to disrupt COL6A2 protein function. ClinVar contains an entry for this variant (Variation ID: 289159). This variant has not been reported in the literature in individuals affected with COL6A2-related conditions. This variant is not present in population databases (gnomAD no frequency). This sequence change replaces valine, which is neutral and non-polar, with isoleucine, which is neutral and non-polar, at codon 165 of the COL6A2 protein (p.Val165Ile).

Eurofins Ntd Llc (ga)
Classification: Uncertain significance. Last evaluated: 2016-07-18. Review status: criteria provided, single submitter. Criteria: EGL Classification Definitions 2015. Collection method: clinical testing. Allele origin: germline. Observed: 1 variant allele, 1 heterozygote.

NM_001849.4(COL6A2):c.493G>A (p.Val165Ile)

Gene: COL6A2 (collagen type VI alpha 2 chain; plus strand). Cytogenetic location: 21q22.3.
Variant type: single nucleotide variant.
Coding change: c.493G>A on transcript NM_001849.4 (MANE Select); coding-DNA position 493, G replaced by A.
Protein change: p.Val165Ile; replaces valine 165 with isoleucine.
Molecular consequence: missense variant.
Genome position (GRCh38, 1-based): chr21:46,112,356, G>A. VCF-style: chr21-46112356-G-A. GRCh37 (hg19) VCF-style: chr21-47532270-G-A.
Other names: c.493G>A, p.Val165Ile (NM_058174.3, NM_058175.3); short protein forms V165I.
Identifiers: ClinVar variation 289159 (VCV000289159.13), dbSNP rs886044102, ClinGen allele CA10606350.